The following is an entry in ClinVar:

ClinVar aggregate classification (germline): Uncertain significance (1 of 4 stars; one submission).

Conditions:
Multiple endocrine neoplasia, type 1 (MEN1). Also called: MEN I; WERMER SYNDROME; Endocrine adenomatosis multiple; MEN 1; MEA I. Identifiers: Orphanet 652, MedGen C0025267, MeSH D018761, MONDO:0007540, OMIM 131100.

Submission:

Labcorp Genetics (formerly Invitae), Labcorp
Classification: Uncertain significance for Multiple endocrine neoplasia, type 1. Last evaluated: 2022-07-29. Review status: criteria provided, single submitter. Criteria: Invitae Variant Classification Sherloc (09022015). Collection method: clinical testing. Allele origin: germline.
Comment: This sequence change replaces leucine, which is neutral and non-polar, with proline, which is neutral and non-polar, at codon 254 of the MEN1 protein (p.Leu254Pro). This variant is not present in population databases (gnomAD no frequency). This variant has not been reported in the literature in individuals affected with MEN1-related conditions. Advanced modeling of protein sequence and biophysical properties (such as structural, functional, and spatial information, amino acid conservation, physicochemical variation, residue mobility, and thermodynamic stability) performed at Invitae indicates that this missense variant is expected to disrupt MEN1 protein function. In summary, the available evidence is currently insufficient to determine the role of this variant in disease. Therefore, it has been classified as a Variant of Uncertain Significance.

NM_001370259.2(MEN1):c.761T>C (p.Leu254Pro)

Gene: MEN1 (menin 1; minus strand). Cytogenetic location: 11q13.1.
Variant type: single nucleotide variant.
Coding change: c.761T>C on transcript NM_001370259.2 (MANE Select); coding-DNA position 761, T replaced by C.
Protein change: p.Leu254Pro; replaces leucine 254 with proline.
Molecular consequence: missense variant.
Genome position (GRCh38, 1-based): chr11:64,807,574, A>G on the plus strand (T>C on the coding strand, the complement: MEN1 is on the minus strand). VCF-style: chr11-64807574-A-G. GRCh37 (hg19) VCF-style: chr11-64575046-A-G.
Other names: c.761T>C, p.Leu254Pro (NM_001370260.2, NM_001370261.2, NM_001407142.1 and 7 more transcripts); c.656T>C, p.Leu219Pro (NM_001370262.2, NM_001370263.2, NM_001407148.1 and 2 more transcripts); c.776T>C, p.Leu259Pro (NM_001407145.1, NM_001407150.1, NM_000244.4 and 5 more transcripts); short protein forms L219P, L254P, L259P.
Identifiers: ClinVar variation 1714122 (VCV001714122.5), dbSNP rs2497203651, ClinGen allele CA381184228.